The following is an entry in ClinVar:

ClinVar aggregate classification (germline): Conflicting classifications of pathogenicity. Review status: criteria provided, conflicting classifications (1 of 4 stars). 4 submissions from 4 submitters: Uncertain significance (1); Likely benign (3). Last evaluated 2025-10-28.

Conditions:
Hereditary breast ovarian cancer syndrome. Also called: Hereditary breast and ovarian cancer syndrome; BRCA1- and BRCA2-Associated Hereditary Breast and Ovarian Cancer; Hereditary breast and ovarian cancer; Hereditary breast and/or ovarian cancer syndrome; Hereditary breast and ovarian cancer syndrome (HBOC); Breast and ovarian cancer. Identifiers: Orphanet 145, MedGen C0677776, MeSH D061325, MONDO:0003582. Disease mechanism: loss of function.
Hereditary cancer-predisposing syndrome. Also called: Hereditary Cancer Syndrome; Hereditary neoplastic syndrome; Neoplastic Syndromes, Hereditary; Tumor predisposition. Identifiers: Orphanet 140162, MedGen C0027672, MeSH D009386, MONDO:0015356.

Allele frequency attached by ClinVar (database versions not stated): gnomAD exomes below 0.00001.
gnomAD v4.1: 2 of 1,588,764 alleles (0.00013%); highest among the groups gnomAD compares: Non-Finnish European, 0.00017%; no homozygotes.

Submissions (4):

Ambry Genetics
Classification: Likely benign for Hereditary cancer-predisposing syndrome. Last evaluated: 2025-10-28. Review status: criteria provided, single submitter. Criteria: Ambry Variant Classification Scheme 2023. Collection method: clinical testing. Allele origin: germline.

Quest Diagnostics Nichols Institute San Juan Capistrano
Classification: Uncertain significance. Last evaluated: 2024-01-17. Review status: criteria provided, single submitter. Criteria: Quest Diagnostics criteria. Collection method: clinical testing. Allele origin: unknown.
Comment: The BRCA2 c.960A>G (p.Leu320=) synonymous variant has not been reported in individuals with BRCA2-related conditions in the published literature. It also has not been reported in large, multi-ethnic general populations (Genome Aggregation Database). Analysis of this variant using software algorithms for the prediction of the effect of nucleotide changes on splicing yielded predictions that this variant does not affect BRCA2 mRNA splicing. Based on the available information, we are unable to determine the clinical significance of this variant.

Labcorp Genetics (formerly Invitae), Labcorp
Classification: Likely benign for Hereditary breast ovarian cancer syndrome. Last evaluated: 2017-09-19. Review status: criteria provided, single submitter. Criteria: Invitae Variant Classification Sherloc (09022015). Collection method: clinical testing. Allele origin: germline.

GeneDx
Classification: Likely benign. Last evaluated: 2016-07-01. Review status: criteria provided, single submitter. Criteria: GeneDx Variant Classification (06012015). Collection method: clinical testing. Allele origin: germline. Affected: yes.
Comment: This variant is considered likely benign or benign based on one or more of the following criteria: it is a conservative change, it occurs at a poorly conserved position in the protein, it is predicted to be benign by multiple in silico algorithms, and/or has population frequency not consistent with disease.

NM_000059.4(BRCA2):c.960A>G (p.Leu320=)

Gene: BRCA2 (BRCA2 DNA repair associated; plus strand). Cytogenetic location: 13q13.1.
Variant type: single nucleotide variant.
Coding change: c.960A>G on transcript NM_000059.4 (MANE Select); coding-DNA position 960, A replaced by G.
Protein change: p.Leu320=; no amino-acid change (leucine 320 retained).
Molecular consequence: synonymous variant.
Genome position (GRCh38, 1-based): chr13:32,332,438, A>G. VCF-style: chr13-32332438-A-G. GRCh37 (hg19) VCF-style: chr13-32906575-A-G.
Identifiers: ClinVar variation 387445 (VCV000387445.11), dbSNP rs890456700, ClinGen allele CA16606655.